The following is an entry in ClinVar:

NM_014795.4(ZEB2):c.3471C>T (p.Asp1157=)

Gene: ZEB2 (zinc finger E-box binding homeobox 2; minus strand). Cytogenetic location: 2q22.3.
Variant type: single nucleotide variant.
Coding change: c.3471C>T on transcript NM_014795.4 (MANE Select); coding-DNA position 3471, C replaced by T.
Protein change: p.Asp1157=; no amino-acid change (aspartic acid 1157 retained).
Molecular consequence: synonymous variant.
Genome position (GRCh38, 1-based): chr2:144,389,625, G>A on the plus strand (C>T on the coding strand, the complement: ZEB2 is on the minus strand). VCF-style: chr2-144389625-G-A. GRCh37 (hg19) VCF-style: chr2-145147192-G-A.
Other names: p.D1157D:GAC>GAT; c.3399C>T, p.Asp1133= (NM_001171653.2).
Identifiers: ClinVar variation 95636 (VCV000095636.27), dbSNP rs149526010, ClinGen allele CA148681.

ClinVar aggregate classification (germline): Benign/Likely benign. Review status: criteria provided, multiple submitters, no conflicts (2 of 4 stars). 8 submissions from 8 submitters: Benign (6); Likely benign (1). 1 of the submissions does not count toward it. Last evaluated 2026-02-01.

Conditions:
Inborn genetic diseases. Identifiers: MedGen C0950123, MeSH D030342.
ZEB2-related disorder. Also called: ZEB2-related condition.
Mowat-Wilson syndrome (MOWS). Also called: Classic Mowat-Wilson Syndrome. Identifiers: Orphanet 2152, MedGen C1856113, MONDO:0009341, OMIM 235730.

Allele frequency attached by ClinVar (database versions not stated): ESP Exome Variant Server 0.00254; gnomAD exomes 0.00051; ExAC 0.00065; gnomAD 0.00179 and 0.00186; 1000 Genomes Project 30x 0.00390; TOPMed 0.00182; 1000 Genomes Project 0.00439.
gnomAD v4.1: 585 of 1,613,566 alleles (0.036%); highest among the groups gnomAD compares: African/African-American, 0.64%; 4 homozygotes.

Submissions (8):

Labcorp Genetics (formerly Invitae), Labcorp
Classification: Benign for Mowat-Wilson syndrome. Last evaluated: 2026-02-01. Review status: criteria provided, single submitter. Criteria: Invitae Variant Classification Sherloc (09022015). Collection method: clinical testing. Allele origin: germline.

Blueprint Genetics
Classification: Likely benign. Last evaluated: 2024-09-23. Review status: criteria provided, single submitter. Criteria: ACMG Guidelines, 2015. Collection method: clinical testing. Allele origin: germline.

Genome-Nilou Lab
Classification: Benign for Mowat-Wilson syndrome. Last evaluated: 2021-11-07. Review status: criteria provided, single submitter. Criteria: ACMG Guidelines, 2015. Collection method: clinical testing. Allele origin: germline. Affected: no.

Genetic Services Laboratory, University of Chicago
Classification: Benign. Last evaluated: 2018-12-03. Review status: criteria provided, single submitter. Criteria: ACMG Guidelines, 2015. Collection method: clinical testing. Allele origin: germline. Affected: no.

Ambry Genetics
Classification: Benign for Inborn genetic diseases. Last evaluated: 2016-11-03. Review status: criteria provided, single submitter. Criteria: Ambry Variant Classification Scheme 2023. Collection method: clinical testing. Allele origin: germline.

Eurofins Ntd Llc (ga)
Classification: Benign. Last evaluated: 2013-10-25. Review status: criteria provided, single submitter. Criteria: EGL Classification Definitions 2015. Collection method: clinical testing. Allele origin: germline. Observed: 1 variant allele, 1 heterozygote.

GeneDx
Classification: Benign. Last evaluated: 2013-03-28. Review status: criteria provided, single submitter. Criteria: GeneDx Variant Classification (06012015). Collection method: clinical testing. Allele origin: germline. Affected: yes.
Comment: This variant is considered likely benign or benign based on one or more of the following criteria: it is a conservative change, it occurs at a poorly conserved position in the protein, it is predicted to be benign by multiple in silico algorithms, and/or has population frequency not consistent with disease.

PreventionGenetics, part of Exact Sciences
Classification: Benign for ZEB2-related condition. Last evaluated: 2019-03-25. Review status: no assertion criteria provided. Collection method: clinical testing. Allele origin: germline. Not counted in ClinVar's aggregate classification.
Comment: This variant is classified as benign based on ACMG/AMP sequence variant interpretation guidelines (Richards et al. 2015 PMID: 25741868, with internal and published modifications).